The following is an entry in ClinVar:

ClinVar aggregate classification (germline): Uncertain significance. Review status: criteria provided, multiple submitters, no conflicts (2 of 4 stars). 2 submissions from 2 submitters: Uncertain significance (2). Last evaluated 2026-07-20.

Conditions:
Hereditary cancer-predisposing syndrome. Also called: Tumor predisposition; Hereditary Cancer Syndrome; Hereditary neoplastic syndrome; Neoplastic Syndromes, Hereditary. Identifiers: Orphanet 140162, MedGen C0027672, MeSH D009386, MONDO:0015356.

Allele frequency attached by ClinVar (database versions not stated): gnomAD exomes below 0.00001; ExAC 0.00001.
gnomAD v4.1: 1 of 1,613,094 alleles (0.000062%); highest among the groups gnomAD compares: Non-Finnish European, 0.000085%; no homozygotes.

Submissions (2):

Ambry Genetics
Classification: Uncertain significance for Hereditary cancer-predisposing syndrome. Last evaluated: 2026-07-20. Review status: criteria provided, single submitter. Criteria: Ambry Variant Classification Scheme 2023. Collection method: clinical testing. Allele origin: germline.
Comment: The p.E899Q variant (also known as c.2695G>C), located in coding exon 17 of the CTNNA1 gene, results from a G to C substitution at nucleotide position 2695. The glutamic acid at codon 899 is replaced by glutamine, an amino acid with highly similar properties. This amino acid position is highly conserved in available vertebrate species. In addition, the in silico prediction for this alteration is inconclusive. Based on the available evidence, the clinical significance of this variant remains unclear.

Labcorp Genetics (formerly Invitae), Labcorp
Classification: Uncertain significance. Last evaluated: 2020-06-29. Review status: criteria provided, single submitter. Criteria: Invitae Variant Classification Sherloc (09022015). Collection method: clinical testing. Allele origin: germline.
Comment: Algorithms developed to predict the effect of missense changes on protein structure and function are either unavailable or do not agree on the potential impact of this missense change (SIFT: "Deleterious"; PolyPhen-2: "Benign"; Align-GVGD: "Class C0"). In summary, the available evidence is currently insufficient to determine the role of this variant in disease. Therefore, it has been classified as a Variant of Uncertain Significance. This variant has not been reported in the literature in individuals with CTNNA1-related conditions. This sequence change replaces glutamic acid with glutamine at codon 899 of the CTNNA1 protein (p.Glu899Gln). The glutamic acid residue is highly conserved and there is a small physicochemical difference between glutamic acid and glutamine. This variant is present in population databases (rs764563953, ExAC 0.002%).

NM_001903.5(CTNNA1):c.2695G>C (p.Glu899Gln)

Gene: CTNNA1 (catenin alpha 1; plus strand). Cytogenetic location: 5q31.2.
Variant type: single nucleotide variant.
Coding change: c.2695G>C on transcript NM_001903.5 (MANE Select); coding-DNA position 2695, G replaced by C.
Protein change: p.Glu899Gln; replaces glutamic acid 899 with glutamine.
Molecular consequence: missense variant. On other transcripts: 3 prime UTR variant (5).
Genome position (GRCh38, 1-based): chr5:138,934,063, G>C. VCF-style: chr5-138934063-G-C. GRCh37 (hg19) VCF-style: chr5-138269752-G-C.
Other names: c.*240G>C (NM_001290307.3, NM_001324002.1, NM_001324003.1 and 2 more transcripts); c.2386G>C, p.Glu796Gln (NM_001290309.3); c.2326G>C, p.Glu776Gln (NM_001290310.3); c.1585G>C, p.Glu529Gln (NM_001290312.1, NM_001323994.1, NM_001323995.1 and 12 more transcripts); c.2695G>C, p.Glu899Gln (NM_001323982.2, NM_001323983.1, NM_001323984.2); c.1450G>C, p.Glu484Gln (NM_001324001.1); c.2668G>C, p.Glu890Gln (NM_001323985.2); c.2602G>C, p.Glu868Gln (NM_001323986.2); and 4 more; short protein forms E416Q, E448Q, E484Q, E498Q, E529Q, E776Q, E796Q, E868Q.
Identifiers: ClinVar variation 1018952 (VCV001018952.9), dbSNP rs764563953, ClinGen allele CA3432285.